The following is an entry in ClinVar:

NM_001142800.2(EYS):c.5928-2A>G

Gene: EYS (EGF-like photoreceptor maintenance factor; minus strand). Cytogenetic location: 6q12.
Variant type: single nucleotide variant.
Coding change: c.5928-2A>G on transcript NM_001142800.2 (MANE Select); the canonical splice acceptor site of the intron before coding-DNA position 5928, A replaced by G.
Molecular consequence: splice acceptor variant.
Genome position (GRCh38, 1-based): chr6:64,388,842, T>C on the plus strand (A>G on the coding strand, the complement: EYS is on the minus strand). VCF-style: chr6-64388842-T-C. GRCh37 (hg19) VCF-style: chr6-65098735-T-C.
Other names: NP_001136272.1:p.?; c.5928-2A>G (NM_001292009.2).
Identifiers: ClinVar variation 438200 (VCV000438200.44), dbSNP rs181169439, ClinGen allele CA140315879.

ClinVar aggregate classification (germline): Pathogenic. Review status: criteria provided, multiple submitters, no conflicts (2 of 4 stars). 18 submissions from 18 submitters: Pathogenic (14). 4 of the submissions do not count toward it. Last evaluated 2026-04-23.

Conditions:
Retinitis pigmentosa (RP). Identifiers: Orphanet 791, MedGen C0035334, MeSH D012174, MONDO:0019200, OMIM 268000. Inheritance: Autosomal dominant, autosomal recessive and X linked inheritance.
EYS-related disorder. Also called: EYS-related condition.
Retinitis pigmentosa 25 (RP25). Identifiers: Orphanet 791, MedGen C1864446, MONDO:0011272, OMIM 602772.

Allele frequency attached by ClinVar (database versions not stated): gnomAD exomes 0.00001 and 0.00003; gnomAD 0.00008 and 0.00009; TOPMed 0.00014; 1000 Genomes Project 0.00020; 1000 Genomes Project 30x 0.00031.
gnomAD v4.1: 33 of 1,485,774 alleles (0.0022%); highest among the groups gnomAD compares: Admixed American, 0.036%; no homozygotes.

Submissions (18):

PreventionGenetics, part of Exact Sciences
Classification: Pathogenic for EYS-related condition. Last evaluated: 2026-04-23. Review status: criteria provided, single submitter. Criteria: ACMG Guidelines, 2015. Collection method: clinical testing. Allele origin: germline.
Comment: The EYS c.5928-2A>G variant is predicted to disrupt the AG splice acceptor site and interfere with normal splicing. This variant has been reported in many individuals with autosomal recessive EYS-related disorders (see for example: Gonzalez-del Pozo et al. 2011. PubMed ID: 22164218; Habibi et al. 2016. PubMed ID: 27874104; Table S1, Lin et al. 2024. PubMed ID: 38219857). This variant is present in 0.014% of alleles in individuals of Latino descent in gnomAD. Variants that disrupt the consensus splice acceptor site in EYS are an established mechanism of disease. This variant is interpreted as pathogenic.

OLLIN Analises Genomicas, OLLIN
Classification: Pathogenic for Retinitis pigmentosa 25. Last evaluated: 2026-02-13. Review status: criteria provided, single submitter. Criteria: ACMG Guidelines 2015 PMID 25741868. Collection method: clinical testing. Allele origin: germline. Observed: 1 variant allele.
Comment: PVS1, PS1_P, PM2_P, PM3

Labcorp Genetics (formerly Invitae), Labcorp
Classification: Pathogenic. Last evaluated: 2026-01-23. Review status: criteria provided, single submitter. Criteria: Invitae Variant Classification Sherloc (09022015). Collection method: clinical testing. Allele origin: germline.
Comment: This sequence change affects an acceptor splice site in intron 28 of the EYS gene. It is expected to disrupt RNA splicing. Variants that disrupt the donor or acceptor splice site typically lead to a loss of protein function (PMID: 16199547), and loss-of-function variants in EYS are known to be pathogenic (PMID: 18836446, 20333770). This variant is present in population databases (rs181169439, gnomAD 0.01%). Disruption of this splice site has been observed in individuals with retinitis pigmentosa (PMID: 28041643, 28704921). ClinVar contains an entry for this variant (Variation ID: 438200). Algorithms developed to predict the effect of sequence changes on RNA splicing suggest that this variant may disrupt the consensus splice site. For these reasons, this variant has been classified as Pathogenic.

Natera, Inc.
Classification: Pathogenic for Retinitis pigmentosa type 25. Last evaluated: 2025-12-31. Review status: criteria provided, single submitter. Criteria: Natera Variant Classification Schema (03/2026). Collection method: clinical testing. Allele origin: germline.
Comment: The c.5928-2A>G variant in EYS is a canonical splice acceptor site variant predicted to affect pre-mRNA splicing, which may result in an abnormal transcript and altered protein product. This variant is expected to result in nonsense mediated decay, truncation, or a dysfunctional protein product. This variant is rare in the general population with a frequency below the threshold expected for the associated phenotype(s). This variant has been observed in one or more individuals affected with the associated recessive disease, as either homozygous or compound heterozygous with a second variant (PMID: 36196406). Another variant at this same site results in an alteration predicted to cause a similar molecular effect has been observed in individual(s) with the associated phenotype. Given the available evidence, this variant is classified as Pathogenic.

3billion
Classification: Pathogenic for Retinitis pigmentosa 25. Last evaluated: 2025-11-04. Review status: criteria provided, single submitter. Criteria: ACMG Guidelines, 2015. Collection method: clinical testing. Allele origin: germline. Affected: yes.
Comment: The variant is observed at an extremely low frequency in the gnomAD v4.1.0 dataset (total allele frequency: 0.002%). Predicted Consequence/Location: Canonical splice site: predicted to alter splicing and result in a loss or disruption of normal protein function. Multiple pathogenic loss-of-function variants are reported downstream of the variant. In silico tools predict the variant to alter splicing and produce an abnormal transcript [SpliceAI: 0.99 (spliceogenicity >=0.2, non-spliceogenicity <0.1)]. The variant has been reported at least twice as pathogenic with clinical assertions and evidence for the classification (ClinVar ID: VCV000438200). Therefore, this variant is classified as Pathogenic according to the recommendation of ACMG/AMP guideline.

CeGaT Center for Human Genetics Tuebingen
Classification: Pathogenic. Last evaluated: 2024-12-01. Review status: criteria provided, single submitter. Criteria: CeGaT Center For Human Genetics Tuebingen Variant Classification Criteria Version 2. Collection method: clinical testing. Allele origin: germline. Affected: yes. Observed: 1 variant allele.
Comment: EYS: PVS1, PM3:Strong, PM2, PP1

Blueprint Genetics
Classification: Pathogenic for EYS-related disorders. Last evaluated: 2024-08-08. Review status: criteria provided, single submitter. Criteria: ACMG Guidelines, 2015. Collection method: clinical testing. Allele origin: germline. Affected: yes. Observed: 5 variant alleles.

Institute of Medical Genetics and Applied Genomics, University Hospital Tübingen
Classification: Pathogenic for Retinitis pigmentosa 25. Last evaluated: 2024-02-15. Review status: criteria provided, single submitter. Criteria: ACMG Guidelines, 2015. Collection method: clinical testing. Allele origin: germline. Inheritance: Autosomal recessive inheritance. Affected: yes.

Baylor Genetics
Classification: Pathogenic for Retinitis pigmentosa 25. Last evaluated: 2024-02-06. Review status: criteria provided, single submitter. Criteria: ACMG Guidelines, 2015. Collection method: clinical testing. Allele origin: unknown.

Ophthalmic Genetics Group, Institute of Molecular and Clinical Ophthalmology Basel
Classification: Pathogenic for Retinitis pigmentosa. Last evaluated: 2023-07-24. Review status: criteria provided, single submitter. Criteria: ACMG Guidelines, 2015. Collection method: research. Allele origin: germline. Affected: yes. Observed: 1 variant allele.
Comment: Clinical significance based on ACMG v2.0

This variant was classified as Pathogenic based on ACMG criteria: PVS1, PM2, PS4, PP5.

Fulgent Genetics
Classification: Pathogenic for Retinitis pigmentosa 25. Last evaluated: 2021-10-14. Review status: criteria provided, single submitter. Criteria: ACMG Guidelines, 2015. Collection method: clinical testing. Allele origin: unknown.

Broad Center for Mendelian Genomics, Broad Institute of MIT and Harvard
Classification: Pathogenic for Retinitis pigmentosa. Last evaluated: 2021-04-01. Review status: criteria provided, single submitter. Criteria: ACMG Guidelines, 2015. Collection method: curation. Allele origin: germline. Inheritance: Autosomal recessive inheritance. Affected: yes.
Comment: Through a review of available evidence we were able to apply the following criteria: PVS1, PM2, PM3-P. Based on this evidence we have classified this variant as Pathogenic. If you have any questions about the classification please reach out to the Pierce Lab.

GeneDx
Classification: Pathogenic. Last evaluated: 2019-08-21. Review status: criteria provided, single submitter. Criteria: GeneDx Variant Classification Process June 2021. Collection method: clinical testing. Allele origin: germline. Affected: yes.
Comment: Canonical splice site variant in a gene for which loss-of-function is a known mechanism of disease; This variant is associated with the following publications: (PMID: 33576794, 31589614, 32581362, 32036094, 28041643, 29847639, 27874104, 22164218)

Mendelics
Classification: Pathogenic for Retinitis pigmentosa 25. Last evaluated: 2019-05-28. Review status: criteria provided, single submitter. Criteria: Mendelics Assertion Criteria 2017. Collection method: clinical testing. Allele origin: unknown.

NIHR Bioresource Rare Diseases, University of Cambridge
Classification: Pathogenic for Retinitis pigmentosa. Last evaluated: 2015-01-01. Review status: no assertion criteria provided. Collection method: research. Allele origin: unknown. Affected: yes. Observed: 1 variant allele. Not counted in ClinVar's aggregate classification.

Clinical Genetics DNA and cytogenetics Diagnostics Lab, Erasmus MC, Erasmus Medical Center
Classification: Pathogenic. Review status: no assertion criteria provided. Collection method: clinical testing. Allele origin: germline. Affected: yes. Study: VKGL Data-share Consensus. Not counted in ClinVar's aggregate classification.

Clinical Genetics, Academic Medical Center
Classification: Pathogenic. Review status: no assertion criteria provided. Collection method: clinical testing. Allele origin: germline. Affected: yes. Study: VKGL Data-share Consensus. Not counted in ClinVar's aggregate classification.

Genome Diagnostics Laboratory, Amsterdam University Medical Center
Classification: Pathogenic. Review status: no assertion criteria provided. Collection method: clinical testing. Allele origin: germline. Affected: yes. Study: VKGL Data-share Consensus. Not counted in ClinVar's aggregate classification.

Literature cited by the submitters: PubMed 16199547 (cited by Labcorp Genetics (formerly Invitae), Labcorp); PubMed 18836446 (cited by Labcorp Genetics (formerly Invitae), Labcorp and Broad Center for Mendelian Genomics, Broad Institute of MIT and Harvard); PubMed 20333770 (cited by Labcorp Genetics (formerly Invitae), Labcorp and Broad Center for Mendelian Genomics, Broad Institute of MIT and Harvard); PubMed 28041643 (cited by 3 submitters); PubMed 28704921 (cited by Labcorp Genetics (formerly Invitae), Labcorp and Broad Center for Mendelian Genomics, Broad Institute of MIT and Harvard); PubMed 36196406 (cited by Natera, Inc.); PubMed 36909829 (cited by Ophthalmic Genetics Group, Institute of Molecular and Clinical Ophthalmology Basel); PubMed 34906470 (cited by Broad Center for Mendelian Genomics, Broad Institute of MIT and Harvard); PubMed 22164218 (cited by Broad Center for Mendelian Genomics, Broad Institute of MIT and Harvard and NIHR Bioresource Rare Diseases, University of Cambridge).